The following is an entry in ClinVar:

NM_000313.4(PROS1):c.1079A>G (p.Glu360Gly)

Gene: PROS1 (protein S; minus strand). Cytogenetic location: 3q11.1.
Variant type: single nucleotide variant.
Coding change: c.1079A>G on transcript NM_000313.4 (MANE Select); coding-DNA position 1079, A replaced by G.
Protein change: p.Glu360Gly; replaces glutamic acid 360 with glycine.
Molecular consequence: missense variant.
Genome position (GRCh38, 1-based): chr3:93,893,009, T>C on the plus strand (A>G on the coding strand, the complement: PROS1 is on the minus strand). VCF-style: chr3-93893009-T-C. GRCh37 (hg19) VCF-style: chr3-93611853-T-C.
Other names: c.1175A>G, p.Glu392Gly (NM_001314077.2); short protein forms E360G, E392G.
Identifiers: ClinVar variation 626965 (VCV000626965.7), dbSNP rs1576180176, ClinGen allele CA353672247.

ClinVar aggregate classification (germline): Conflicting classifications of pathogenicity. Review status: criteria provided, conflicting classifications (1 of 4 stars). 2 submissions from 2 submitters: Likely pathogenic (1); Uncertain significance (1). Last evaluated 2024-12-30.

Conditions:
Thrombophilia due to protein S deficiency, autosomal recessive (THPH6). Identifiers: Orphanet 743, MedGen C3281092, MONDO:0013791, OMIM 614514. Disease mechanism: loss of function.
Protein S deficiency disease. Also called: Protein S deficiency. Identifiers: MedGen C0242666, MeSH D018455, MONDO:0002304.

Submissions (2):

Labcorp Genetics (formerly Invitae), Labcorp
Classification: Uncertain significance for Thrombophilia due to protein S deficiency, autosomal recessive. Last evaluated: 2024-12-30. Review status: criteria provided, single submitter. Criteria: Invitae Variant Classification Sherloc (09022015). Collection method: clinical testing. Allele origin: germline.
Comment: This sequence change replaces glutamic acid, which is acidic and polar, with glycine, which is neutral and non-polar, at codon 360 of the PROS1 protein (p.Glu360Gly). This variant is not present in population databases (gnomAD no frequency). This missense change has been observed in individual(s) with PROS1-related conditions (PMID: 26466767, 31064749). ClinVar contains an entry for this variant (Variation ID: 626965). Invitae Evidence Modeling of protein sequence and biophysical properties (such as structural, functional, and spatial information, amino acid conservation, physicochemical variation, residue mobility, and thermodynamic stability) indicates that this missense variant is expected to disrupt PROS1 protein function with a positive predictive value of 80%. In summary, the available evidence is currently insufficient to determine the role of this variant in disease. Therefore, it has been classified as a Variant of Uncertain Significance.

NIHR Bioresource Rare Diseases, University of Cambridge
Classification: Likely pathogenic for Reduced protein S activity. Last evaluated: 2019-02-01. Review status: criteria provided, single submitter. Criteria: ACMG Guidelines, 2015. Collection method: research. Allele origin: unknown. Affected: yes. Observed: 1 heterozygote. Study: ThromboGenomics.

Literature cited by the submitters: PubMed 26466767 (cited by Labcorp Genetics (formerly Invitae), Labcorp); PubMed 31064749 (cited by Labcorp Genetics (formerly Invitae), Labcorp and NIHR Bioresource Rare Diseases, University of Cambridge).